The following is an entry in ClinVar:

NM_001128148.3(TFRC):c.1054G>T (p.Asp352Tyr)

Gene: TFRC (transferrin receptor; minus strand). Cytogenetic location: 3q29.
Variant type: single nucleotide variant.
Coding change: c.1054G>T on transcript NM_001128148.3 (MANE Select); coding-DNA position 1054, G replaced by T.
Protein change: p.Asp352Tyr; replaces aspartic acid 352 with tyrosine.
Molecular consequence: missense variant.
Genome position (GRCh38, 1-based): chr3:196,065,587, C>A on the plus strand (G>T on the coding strand, the complement: TFRC is on the minus strand). VCF-style: chr3-196065587-C-A. GRCh37 (hg19) VCF-style: chr3-195792458-C-A.
Other names: c.811G>T, p.Asp271Tyr (NM_001313965.2); c.208G>T, p.Asp70Tyr (NM_001313966.2); c.1054G>T, p.Asp352Tyr (NM_003234.4); short protein forms D70Y, D271Y, D352Y.
Identifiers: ClinVar variation 2793617 (VCV002793617.3), dbSNP rs1382934042, ClinGen allele CA355572873.
Genomic context (GRCh38, chr3:196,065,587, plus strand): 5'-TCTTGCTTTCTGAGGTTACCATCCTACATGTAGAGTCTGTTTTCCAGTCAGAGGGACAGT[C>A]TCCTTCCATATTCCTAGAATCAGAAAGCAGGCGTAAGTTCTGAGTTATTGTTCCTTGCCC-3'
Protein context (NP_001121620.1, residues 342-362): AEKLFGNMEG[Asp352Tyr]CPSDWKTDST

ClinVar aggregate classification (germline): Uncertain significance (1 of 4 stars; one submission).

Allele frequency attached by ClinVar (database versions not stated): gnomAD 0.00001; TOPMed 0.00002.

Submission:

Labcorp Genetics (formerly Invitae), Labcorp
Classification: Uncertain significance. Last evaluated: 2025-05-18. Review status: criteria provided, single submitter. Criteria: Invitae Variant Classification Sherloc (09022015). Collection method: clinical testing. Allele origin: germline.
Comment: This sequence change replaces aspartic acid, which is acidic and polar, with tyrosine, which is neutral and polar, at codon 352 of the TFRC protein (p.Asp352Tyr). This variant is present in population databases (no rsID available, gnomAD 0.01%). This variant has not been reported in the literature in individuals affected with TFRC-related conditions. ClinVar contains an entry for this variant (Variation ID: 2793617). Invitae Evidence Modeling of protein sequence and biophysical properties (such as structural, functional, and spatial information, amino acid conservation, physicochemical variation, residue mobility, and thermodynamic stability) indicates that this missense variant is not expected to disrupt TFRC protein function with a negative predictive value of 80%. In summary, the available evidence is currently insufficient to determine the role of this variant in disease. Therefore, it has been classified as a Variant of Uncertain Significance.